The following is an entry in ClinVar:

ClinVar aggregate classification (germline): Uncertain significance (1 of 4 stars; one submission).

Allele frequency attached by ClinVar (database versions not stated): gnomAD exomes below 0.00001.

Submission:

Labcorp Genetics (formerly Invitae), Labcorp
Classification: Uncertain significance. Last evaluated: 2021-12-01. Review status: criteria provided, single submitter. Criteria: Invitae Variant Classification Sherloc (09022015). Collection method: clinical testing. Allele origin: germline.
Comment: In summary, the available evidence is currently insufficient to determine the role of this variant in disease. Therefore, it has been classified as a Variant of Uncertain Significance. Algorithms developed to predict the effect of missense changes on protein structure and function are either unavailable or do not agree on the potential impact of this missense change (SIFT: "Tolerated"; PolyPhen-2: "Probably Damaging"; Align-GVGD: "Class C0"). This variant has not been reported in the literature in individuals affected with SORL1-related conditions. This variant is not present in population databases (gnomAD no frequency). This sequence change replaces methionine, which is neutral and non-polar, with valine, which is neutral and non-polar, at codon 1005 of the SORL1 protein (p.Met1005Val).

NM_003105.6(SORL1):c.3013A>G (p.Met1005Val)

Gene: SORL1 (sortilin related receptor 1; plus strand). Cytogenetic location: 11q24.1.
Variant type: single nucleotide variant.
Coding change: c.3013A>G on transcript NM_003105.6 (MANE Select); coding-DNA position 3013, A replaced by G.
Protein change: p.Met1005Val; replaces methionine 1005 with valine.
Molecular consequence: missense variant.
Genome position (GRCh38, 1-based): chr11:121,559,621, A>G. VCF-style: chr11-121559621-A-G. GRCh37 (hg19) VCF-style: chr11-121430330-A-G.
Other names: short protein forms M1005V.
Identifiers: ClinVar variation 1401567 (VCV001401567.6), dbSNP rs1280439450, ClinGen allele CA383036542.